The following is an entry in ClinVar:

NM_004260.4(RECQL4):c.823G>A (p.Val275Ile)

Gene: RECQL4 (RecQ like helicase 4; minus strand). Cytogenetic location: 8q24.3.
Variant type: single nucleotide variant.
Coding change: c.823G>A on transcript NM_004260.4 (MANE Select); coding-DNA position 823, G replaced by A.
Protein change: p.Val275Ile; replaces valine 275 with isoleucine.
Molecular consequence: missense variant.
Genome position (GRCh38, 1-based): chr8:144,516,296, C>T on the plus strand (G>A on the coding strand, the complement: RECQL4 is on the minus strand). VCF-style: chr8-144516296-C-T. GRCh37 (hg19) VCF-style: chr8-145741680-C-T.
Other names: c.823G>A (NM_004260.3); short protein forms V275I.
Identifiers: ClinVar variation 1393499 (VCV001393499.7), dbSNP rs1814968941, ClinGen allele CA372689074.

ClinVar aggregate classification (germline): Uncertain significance. Review status: criteria provided, multiple submitters, no conflicts (2 of 4 stars). 2 submissions from 2 submitters: Uncertain significance (2). Last evaluated 2026-07-23.

Conditions:
Inborn genetic diseases. Identifiers: MedGen C0950123, MeSH D030342.
Baller-Gerold syndrome (BGS). Also called: CRANIOSYNOSTOSIS WITH RADIAL DEFECTS. Identifiers: Orphanet 1225, MedGen C0265308, MONDO:0009039, OMIM 218600.

Submissions (2):

Ambry Genetics
Classification: Uncertain significance for Inborn genetic diseases. Last evaluated: 2026-07-23. Review status: criteria provided, single submitter. Criteria: Ambry Variant Classification Scheme 2023. Collection method: clinical testing. Allele origin: germline.
Comment: The p.V275I variant (also known as c.823G>A), located in coding exon 5 of the RECQL4 gene, results from a G to A substitution at nucleotide position 823. The valine at codon 275 is replaced by isoleucine, an amino acid with highly similar properties. This amino acid position is conserved. In addition, this alteration is predicted to be tolerated by in silico analysis. Based on the available evidence, the clinical significance of this variant remains unclear.

Labcorp Genetics (formerly Invitae), Labcorp
Classification: Uncertain significance for Baller-Gerold syndrome. Last evaluated: 2021-07-23. Review status: criteria provided, single submitter. Criteria: Invitae Variant Classification Sherloc (09022015). Collection method: clinical testing. Allele origin: germline.
Comment: Experimental studies and prediction algorithms are not available or were not evaluated, and the functional significance of this variant is currently unknown. This sequence change replaces valine with isoleucine at codon 275 of the RECQL4 protein (p.Val275Ile). The valine residue is weakly conserved and there is a small physicochemical difference between valine and isoleucine. This variant is not present in population databases (ExAC no frequency). This variant has not been reported in the literature in individuals with RECQL4-related conditions. In summary, the available evidence is currently insufficient to determine the role of this variant in disease. Therefore, it has been classified as a Variant of Uncertain Significance.